The following is an entry in ClinVar:

NM_000059.4(BRCA2):c.4566G>T (p.Leu1522Phe)

Gene: BRCA2 (BRCA2 DNA repair associated; plus strand). Cytogenetic location: 13q13.1.
Variant type: single nucleotide variant.
Coding change: c.4566G>T on transcript NM_000059.4 (MANE Select); coding-DNA position 4566, G replaced by T.
Protein change: p.Leu1522Phe; replaces leucine 1522 with phenylalanine.
Molecular consequence: missense variant.
Genome position (GRCh38, 1-based): chr13:32,338,921, G>T. VCF-style: chr13-32338921-G-T. GRCh37 (hg19) VCF-style: chr13-32913058-G-T.
Other names: short protein forms L1522F.
Identifiers: ClinVar variation 51675 (VCV000051675.4), dbSNP rs397507729, ClinGen allele CA020464.

ClinVar aggregate classification (germline): Likely benign. Review status: criteria provided, single submitter (1 of 4 stars). 2 submissions from 2 submitters: Likely benign (1). 1 of the submissions does not count toward it. Last evaluated 2023-03-23.

Conditions:
Hereditary cancer-predisposing syndrome. Also called: Neoplastic Syndromes, Hereditary; Tumor predisposition; Hereditary Cancer Syndrome; Hereditary neoplastic syndrome. Identifiers: Orphanet 140162, MedGen C0027672, MeSH D009386, MONDO:0015356.
Familial cancer of breast. Also called: BREAST CANCER, FAMILIAL; Hereditary breast cancer; hereditary breast carcinoma. Identifiers: Orphanet 227535, MedGen C0346153, MONDO:0016419, OMIM 114480. Disease mechanism: loss of function.

Submissions (2):

University of Washington Department of Laboratory Medicine, University of Washington
Classification: Likely benign for Hereditary cancer-predisposing syndrome. Last evaluated: 2023-03-23. Review status: criteria provided, single submitter. Criteria: Dines et al. (Genet Med. 2020). Collection method: curation. Allele origin: germline.
Comment: Missense variant in a coldspot region where missense variants are very unlikely to be pathogenic (PMID:31911673).

BRCA2 exon 11 coldspot. Reclassification based on statistical prior probability.

ClinVar Staff, National Center for Biotechnology Information (NCBI)
No classification provided. Condition: Familial cancer of breast. Review status: no classification provided. Collection method: literature only. Allele origin: germline. Affected: yes. Not counted in ClinVar's aggregate classification.

Literature cited by the submitters: PubMed 12624724 (cited by ClinVar Staff, National Center for Biotechnology Information (NCBI)).